The following is an entry in ClinVar:

NM_017541.4(CRYGS):c.215G>A (p.Arg72His)

Gene: CRYGS (crystallin gamma S; minus strand). Cytogenetic location: 3q27.3.
Variant type: single nucleotide variant.
Coding change: c.215G>A on transcript NM_017541.4 (MANE Select); coding-DNA position 215, G replaced by A.
Protein change: p.Arg72His; replaces arginine 72 with histidine.
Molecular consequence: missense variant.
Genome position (GRCh38, 1-based): chr3:186,539,404, C>T on the plus strand (G>A on the coding strand, the complement: CRYGS is on the minus strand). VCF-style: chr3-186539404-C-T. GRCh37 (hg19) VCF-style: chr3-186257193-C-T.
Other names: c.215G>A (NM_017541.2, NM_017541.3); short protein forms R72H.
Identifiers: ClinVar variation 1415793 (VCV001415793.11), dbSNP rs144812537, ClinGen allele CA2743910.

ClinVar aggregate classification (germline): Conflicting classifications of pathogenicity. Review status: criteria provided, conflicting classifications (1 of 4 stars). 3 submissions from 3 submitters: Uncertain significance (1); Likely benign (2). Last evaluated 2024-10-08.

Conditions:
Cataract 20 multiple types (CTRCT20). Also called: Membranous cataract. Identifiers: Orphanet 91492, MedGen C0524524, MONDO:0007284, OMIM 116100, HP:0010922.
CRYGS-related disorder. Also called: CRYGS-related condition.
Inborn genetic diseases. Identifiers: MedGen C0950123, MeSH D030342.

Allele frequency attached by ClinVar (database versions not stated): ExAC 0.00010; gnomAD exomes 0.00016; gnomAD 0.00021 and 0.00026; TOPMed 0.00025; ESP Exome Variant Server 0.00031.

Submissions (3):

PreventionGenetics, part of Exact Sciences
Classification: Likely benign for CRYGS-related condition. Last evaluated: 2024-10-08. Review status: criteria provided, single submitter. Criteria: ACMG Guidelines, 2015. Collection method: clinical testing. Allele origin: germline.
Comment: This variant is classified as likely benign based on ACMG/AMP sequence variant interpretation guidelines (Richards et al. 2015 PMID: 25741868, with internal and published modifications).

Labcorp Genetics (formerly Invitae), Labcorp
Classification: Uncertain significance for Cataract 20 multiple types. Last evaluated: 2024-08-11. Review status: criteria provided, single submitter. Criteria: Invitae Variant Classification Sherloc (09022015). Collection method: clinical testing. Allele origin: germline.
Comment: This sequence change replaces arginine, which is basic and polar, with histidine, which is basic and polar, at codon 72 of the CRYGS protein (p.Arg72His). This variant is present in population databases (rs144812537, gnomAD 0.05%), and has an allele count higher than expected for a pathogenic variant. This variant has not been reported in the literature in individuals affected with CRYGS-related conditions. ClinVar contains an entry for this variant (Variation ID: 1415793). An algorithm developed to predict the effect of missense changes on protein structure and function outputs the following: PolyPhen-2: "Benign". The histidine amino acid residue is found in multiple mammalian species, which suggests that this missense change does not adversely affect protein function. In summary, the available evidence is currently insufficient to determine the role of this variant in disease. Therefore, it has been classified as a Variant of Uncertain Significance.

Ambry Genetics
Classification: Likely benign for Inborn genetic diseases. Last evaluated: 2022-01-04. Review status: criteria provided, single submitter. Criteria: Ambry Variant Classification Scheme 2023. Collection method: clinical testing. Allele origin: germline.